The following is an entry in ClinVar:

ClinVar aggregate classification (germline): Uncertain significance (1 of 4 stars; one submission).

Conditions:
Cardiovascular phenotype. Identifiers: MedGen CN230736.

gnomAD v4.1: 1 of 1,614,152 alleles (0.000062%); highest among the groups gnomAD compares: Non-Finnish European, 0.000085%; no homozygotes.

Submission:

Ambry Genetics
Classification: Uncertain significance for Cardiovascular phenotype. Last evaluated: 2025-09-21. Review status: criteria provided, single submitter. Criteria: Ambry Variant Classification Scheme 2023. Collection method: clinical testing. Allele origin: germline.
Comment: The p.Q498H variant (also known as c.1494A>C), located in coding exon 10 of the SOS2 gene, results from an A to C substitution at nucleotide position 1494. The glutamine at codon 498 is replaced by histidine, an amino acid with highly similar properties. This amino acid position is conserved. In addition, this alteration is predicted to be tolerated by in silico analysis. Based on the available evidence, the clinical significance of this variant remains unclear.

NM_006939.4(SOS2):c.1494A>C (p.Gln498His)

Gene: SOS2 (SOS Ras/Rho guanine nucleotide exchange factor 2; minus strand). Cytogenetic location: 14q21.3.
Variant type: single nucleotide variant.
Coding change: c.1494A>C on transcript NM_006939.4 (MANE Select); coding-DNA position 1494, A replaced by C.
Protein change: p.Gln498His; replaces glutamine 498 with histidine.
Molecular consequence: missense variant.
Genome position (GRCh38, 1-based): chr14:50,159,789, T>G on the plus strand (A>C on the coding strand, the complement: SOS2 is on the minus strand). VCF-style: chr14-50159789-T-G. GRCh37 (hg19) VCF-style: chr14-50626507-T-G.
Other names: c.1395A>C, p.Gln465His (NM_001411020.1); short protein forms Q498H, Q465H.
Identifiers: ClinVar variation 4614987 (VCV004614987.1).